The following is an entry in ClinVar:

NM_177438.3(DICER1):c.141T>C (p.Tyr47=)

Gene: DICER1 (dicer 1, ribonuclease III; minus strand). Cytogenetic location: 14q32.13.
Variant type: single nucleotide variant.
Coding change: c.141T>C on transcript NM_177438.3 (MANE Select); coding-DNA position 141, T replaced by C.
Protein change: p.Tyr47=; no amino-acid change (tyrosine 47 retained).
Molecular consequence: synonymous variant.
Genome position (GRCh38, 1-based): chr14:95,133,318, A>G on the plus strand (T>C on the coding strand, the complement: DICER1 is on the minus strand). VCF-style: chr14-95133318-A-G. GRCh37 (hg19) VCF-style: chr14-95599655-A-G.
Other names: c.141T>C, p.Tyr47= (NM_001195573.1, NM_001271282.3, NM_001291628.2 and 1 more transcripts).
Identifiers: ClinVar variation 477040 (VCV000477040.19), dbSNP rs1313430297, ClinGen allele CA487634162.

ClinVar aggregate classification (germline): Conflicting classifications of pathogenicity. Review status: criteria provided, conflicting classifications (1 of 4 stars). 5 submissions from 5 submitters: Uncertain significance (1); Benign (1); Likely benign (3). Last evaluated 2026-09-02.

Conditions:
DICER1-related disorder. Also called: DICER1-related condition.
Hereditary cancer-predisposing syndrome. Also called: Neoplastic Syndromes, Hereditary; Hereditary Cancer Syndrome; Tumor predisposition; Hereditary neoplastic syndrome. Identifiers: Orphanet 140162, MedGen C0027672, MeSH D009386, MONDO:0015356.
DICER1-related tumor predisposition. Also called: DICER1 syndrome; DICER1-related pleuropulmonary blastoma cancer predisposition syndrome. Identifiers: Orphanet 284343, MedGen C3839822, MONDO:0100216.

Allele frequency attached by ClinVar (database versions not stated): gnomAD exomes below 0.00001; gnomAD 0.00001; TOPMed 0.00001.
gnomAD v4.1: 7 of 1,613,922 alleles (0.00043%); highest among the groups gnomAD compares: African/African-American, 0.0013%; no homozygotes.

Submissions (5):

PreventionGenetics, part of Exact Sciences
Classification: Likely benign for DICER1-related condition. Last evaluated: 2026-09-02. Review status: criteria provided, single submitter. Criteria: ACMG Guidelines, 2015. Collection method: clinical testing. Allele origin: germline.
Comment: This variant is classified as likely benign based on ACMG/AMP sequence variant interpretation guidelines (Richards et al. 2015 PMID: 25741868, with internal and published modifications).

Myriad Genetics, Inc.
Classification: Benign for DICER1-related tumor predisposition. Last evaluated: 2026-04-14. Review status: criteria provided, single submitter. Criteria: Myriad Autosomal Dominant, Autosomal Recessive and X-Linked Classification Criteria (2023). Collection method: clinical testing. Allele origin: unknown.
Comment: This variant is considered benign. This variant is a silent/synonymous amino acid change and it is not expected to impact splicing.

Labcorp Genetics (formerly Invitae), Labcorp
Classification: Likely benign for DICER1-related tumor predisposition. Last evaluated: 2025-11-12. Review status: criteria provided, single submitter. Criteria: Invitae Variant Classification Sherloc (09022015). Collection method: clinical testing. Allele origin: germline.

Sema4
Classification: Uncertain significance for Hereditary cancer-predisposing syndrome. Last evaluated: 2021-12-20. Review status: criteria provided, single submitter. Criteria: Sema4 Curation Guidelines. Collection method: curation. Allele origin: germline.
Comment: The DICER1 c.141T>C (p.=) variant has not been reported in the literature to our knowledge. It was not observed in the large and broad cohorts of the Genome Aggregation Database (PMID: 32461654). The variant has been reported in ClinVar (Variation ID 477040). In silico tools suggest that the affected nucleotide is weakly conserved and does not affect splicing, though these predictions have not been confirmed by functional studies. The evidence is insufficient to meet ACMG/AMP criteria for classifying the variant as benign or pathogenic. Thus, the clinical significance of this variant is currently uncertain.

Ambry Genetics
Classification: Likely benign for Hereditary cancer-predisposing syndrome. Last evaluated: 2018-03-20. Review status: criteria provided, single submitter. Criteria: Ambry Variant Classification Scheme 2023. Collection method: clinical testing. Allele origin: germline.